The following is an entry in ClinVar:

NM_001943.5(DSG2):c.3065T>C (p.Phe1022Ser)

Genes: DSG2 (desmoglein 2; plus strand), DSG2-AS1 (DSG2 antisense RNA 1; minus strand). Cytogenetic location: 18q12.1.
Variant type: single nucleotide variant.
Coding change: c.3065T>C on transcript NM_001943.5 (MANE Select); coding-DNA position 3065, T replaced by C.
Protein change: p.Phe1022Ser; replaces phenylalanine 1022 with serine.
Molecular consequence: missense variant.
Genome position (GRCh38, 1-based): chr18:31,546,451, T>C. VCF-style: chr18-31546451-T-C. GRCh37 (hg19) VCF-style: chr18-29126414-T-C.
Other names: short protein forms F1022S.
Identifiers: ClinVar variation 3075287 (VCV003075287.1), dbSNP rs2073311300, ClinGen allele CA402148223.
Genomic context (GRCh38, chr18:31,546,451, plus strand): 5'-TGGAAGGCACTCAGCATCTTCAAGATGTACCTTACGTCATGGTGAGGGAAAGAGAGAGCT[T>C]CCTTGCCCCCAGCTCAGGTGTGCAGCCTACTCTGGCCATGCCTAATATAGCAGTAGGACA-3'
Protein context (NP_001934.2, residues 1012-1032): PYVMVRERES[Phe1022Ser]LAPSSGVQPT

ClinVar aggregate classification (germline): Uncertain significance (1 of 4 stars; one submission).

Conditions:
Arrhythmogenic right ventricular cardiomyopathy (ARVD). Also called: Arrhythmogenic right ventricular dysplasia; Cardiomyopathy, ARVC; Arrhythmogenic cardiomyopathy; Arrhythmogenic Right Ventricular Cardiomyopathy (ARVC). Identifiers: Orphanet 247, MedGen C0349788, MeSH D019571, MONDO:0016587. Disease mechanism: loss of function. Inheritance: Various modes of inheritance.

Allele frequency attached by ClinVar (database versions not stated): gnomAD 0.00001.
gnomAD v4.1: 1 of 1,613,998 alleles (0.000062%); highest among the groups gnomAD compares: Non-Finnish European, 0.000085%; no homozygotes.

Submission:

All of Us Research Program, National Institutes of Health
Classification: Uncertain significance for Arrhythmogenic right ventricular cardiomyopathy. Last evaluated: 2024-01-03. Review status: criteria provided, single submitter. Criteria: ACMG Guidelines, 2015. Collection method: clinical testing. Allele origin: germline. Inheritance: Autosomal dominant inheritance. Observed: 1 variant allele, 1 heterozygote.
Comment: This missense variant replaces phenylalanine with serine at codon 1022 of the DSG2 protein. Computational prediction suggests that this variant may not impact protein structure and function (internally defined REVEL score threshold <= 0.5, PMID: 27666373). To our knowledge, functional studies have not been reported for this variant. This variant has not been reported in individuals affected with DSG2-related disorders in the literature. This variant has not been identified in the general population by the Genome Aggregation Database (gnomAD). The available evidence is insufficient to determine the role of this variant in disease conclusively. Therefore, this variant is classified as a Variant of Uncertain Significance.

This study involves interpretation of variants in research participants for the purpose of population health screening. Participant phenotype was not available at the time of variant classification. Additional details can be found in publication PMID: 35346344, PMCID: PMC8962531